The following is an entry in ClinVar:

ClinVar aggregate classification (germline): Likely benign. Review status: criteria provided, single submitter (1 of 4 stars). 2 submissions from 2 submitters: Likely benign (1). 1 of the submissions does not count toward it. Last evaluated 2025-09-29.

Conditions:
HSPG2-related disorder. Also called: HSPG2-related disorders; HSPG2-related condition.

Allele frequency attached by ClinVar (database versions not stated): gnomAD 0.00002; gnomAD exomes 0.00002; TOPMed 0.00002.
gnomAD v4.1: 32 of 1,613,076 alleles (0.002%); highest among the groups gnomAD compares: Middle Eastern, 0.016%; no homozygotes.

Submissions (2):

Labcorp Genetics (formerly Invitae), Labcorp
Classification: Likely benign. Last evaluated: 2025-09-29. Review status: criteria provided, single submitter. Criteria: Invitae Variant Classification Sherloc (09022015). Collection method: clinical testing. Allele origin: germline.

PreventionGenetics, part of Exact Sciences
Classification: Likely benign for HSPG2-related condition. Last evaluated: 2019-04-01. Review status: no assertion criteria provided. Collection method: clinical testing. Allele origin: germline. Not counted in ClinVar's aggregate classification.
Comment: This variant is classified as likely benign based on ACMG/AMP sequence variant interpretation guidelines (Richards et al. 2015 PMID: 25741868, with internal and published modifications).

NM_005529.7(HSPG2):c.5649G>A (p.Ala1883=)

Gene: HSPG2 (heparan sulfate proteoglycan 2; minus strand). Cytogenetic location: 1p36.12.
Variant type: single nucleotide variant.
Coding change: c.5649G>A on transcript NM_005529.7 (MANE Select); coding-DNA position 5649, G replaced by A.
Protein change: p.Ala1883=; no amino-acid change (alanine 1883 retained).
Molecular consequence: synonymous variant.
Genome position (GRCh38, 1-based): chr1:21,855,839, C>T on the plus strand (G>A on the coding strand, the complement: HSPG2 is on the minus strand). VCF-style: chr1-21855839-C-T. GRCh37 (hg19) VCF-style: chr1-22182332-C-T.
Other names: c.5652G>A, p.Ala1884= (NM_001291860.2); c.5649G>A (NM_005529.6).
Identifiers: ClinVar variation 2914514 (VCV002914514.5), dbSNP rs1033486237, ClinGen allele CA19124374.